The following is an entry in ClinVar:

NM_017617.5(NOTCH1):c.597C>T (p.Val199=)

Gene: NOTCH1 (notch receptor 1; minus strand). Cytogenetic location: 9q34.3.
Variant type: single nucleotide variant.
Coding change: c.597C>T on transcript NM_017617.5 (MANE Select); coding-DNA position 597, C replaced by T.
Protein change: p.Val199=; no amino-acid change (valine 199 retained).
Molecular consequence: synonymous variant.
Genome position (GRCh38, 1-based): chr9:136,522,995, G>A on the plus strand (C>T on the coding strand, the complement: NOTCH1 is on the minus strand). VCF-style: chr9-136522995-G-A. GRCh37 (hg19) VCF-style: chr9-139417447-G-A.
Other names: c.597C>T, p.Val199= (LRG_1122t1).
Identifiers: ClinVar variation 520059 (VCV000520059.21), dbSNP rs747342494, ClinGen allele CA5342117.

ClinVar aggregate classification (germline): Likely benign. Review status: criteria provided, multiple submitters, no conflicts (2 of 4 stars). 7 submissions from 6 submitters: Likely benign (7). Last evaluated 2026-06-01.

Conditions:
Aortic valve disease 1 (AOVD1). Identifiers: MedGen C3887892, MONDO:0024523, OMIM 109730.
Adams-Oliver syndrome 5 (AOS5). Identifiers: Orphanet 974, MedGen C4014970, MONDO:0014459, OMIM 616028.
Familial thoracic aortic aneurysm and aortic dissection (TAAD). Also called: Thoracic aortic aneurysms and dissections. Identifiers: Orphanet 91387, MedGen C4707243, MONDO:0019625.

Allele frequency attached by ClinVar (database versions not stated): ExAC below 0.00001; gnomAD exomes 0.00001; gnomAD 0.00003 and 0.00004; TOPMed 0.00003.
gnomAD v4.1: 18 of 1,560,332 alleles (0.0012%); highest among the groups gnomAD compares: East Asian, 0.0072%; no homozygotes.

Submissions (7):

CeGaT Center for Human Genetics Tuebingen
Classification: Likely benign. Last evaluated: 2026-06-01. Review status: criteria provided, single submitter. Criteria: CeGaT Center For Human Genetics Tuebingen Variant Classification Criteria Version 2. Collection method: clinical testing. Allele origin: germline. Affected: yes. Observed: 1 variant allele.
Comment: NOTCH1: BP4, BP7

Labcorp Genetics (formerly Invitae), Labcorp
Classification: Likely benign for Adams-Oliver syndrome 5. Last evaluated: 2025-08-29. Review status: criteria provided, single submitter. Criteria: Invitae Variant Classification Sherloc (09022015). Collection method: clinical testing. Allele origin: germline.

Women's Health and Genetics/Laboratory Corporation of America, LabCorp
Classification: Likely benign. Last evaluated: 2024-05-20. Review status: criteria provided, single submitter. Criteria: LabCorp Variant Classification Summary - May 2015. Collection method: clinical testing. Allele origin: germline.

Genome-Nilou Lab
Classification: Likely benign for Adams-Oliver syndrome 5. Last evaluated: 2022-03-15. Review status: criteria provided, single submitter. Criteria: ACMG Guidelines, 2015. Collection method: clinical testing. Allele origin: germline. Affected: no.

Genome-Nilou Lab
Classification: Likely benign for Aortic valve disease 1. Last evaluated: 2022-03-15. Review status: criteria provided, single submitter. Criteria: ACMG Guidelines, 2015. Collection method: clinical testing. Allele origin: germline. Affected: no.

GeneDx
Classification: Likely benign. Last evaluated: 2018-10-23. Review status: criteria provided, single submitter. Criteria: GeneDx Variant Classification Process June 2021. Collection method: clinical testing. Allele origin: germline. Affected: yes.

Ambry Genetics
Classification: Likely benign for Familial thoracic aortic aneurysm and aortic dissection. Last evaluated: 2016-11-29. Review status: criteria provided, single submitter. Criteria: Ambry Variant Classification Scheme 2023. Collection method: clinical testing. Allele origin: germline.